The following is an entry in ClinVar:

ClinVar aggregate classification (germline): Uncertain significance (1 of 4 stars; one submission).

Submission:

Labcorp Genetics (formerly Invitae), Labcorp
Classification: Uncertain significance. Last evaluated: 2025-11-10. Review status: criteria provided, single submitter. Criteria: Invitae Variant Classification Sherloc (09022015). Collection method: clinical testing. Allele origin: germline.
Comment: This sequence change creates a premature translational stop signal (p.Ala685Glyfs*26) in the FUK gene. It is expected to result in an absent or disrupted protein product. However, the current clinical and genetic evidence is not sufficient to establish whether loss-of-function variants in FUK cause disease. This variant is not present in population databases (gnomAD no frequency). This variant has not been reported in the literature in individuals affected with FUK-related conditions. Algorithms developed to predict the effect of sequence changes on RNA splicing suggest that this variant may disrupt the consensus splice site. In summary, the available evidence is currently insufficient to determine the role of this variant in disease. Therefore, it has been classified as a Variant of Uncertain Significance.

NM_145059.3(FCSK):c.2051dup (p.Ala685fs)

Gene: FCSK (fucose kinase; plus strand). Cytogenetic location: 16q22.1.
Variant type: Duplication.
Coding change: c.2051dup on transcript NM_145059.3 (MANE Select); coding-DNA position 2051, one base duplicated (A; older notation c.2051dupA).
Protein change: p.Ala685fs; shifts the reading frame from alanine 685.
Molecular consequence: frameshift variant.
Genome position (GRCh38, 1-based): chr16:70,474,590, A duplicated. VCF-style (leftmost placement, unchanged base first): chr16-70474589-C-CA. GRCh37 (hg19) VCF-style: chr16-70508492-C-CA.
Other names: short protein forms A685fs.
Identifiers: ClinVar variation 4763297 (VCV004763297.1).
Genomic context (GRCh38, chr16:70,474,589, plus strand): 5'-CCAGCCTTGCTGGTGCGAGCGGCCCGCCACTATGAGGGGGCTGGTCAGATCCTGATCCGC[C>CA]AGGCTGTGATGTCAGCCCAGCACTTTGTCTCCACAGAGCAGGTGGAACTGCCGGGACCTG-3'